The following is an entry in ClinVar:

ClinVar aggregate classification (germline): Uncertain significance (1 of 4 stars; one submission).

Conditions:
Developmental and epileptic encephalopathy, 32 (DEE32). Also called: Epileptic encephalopathy, early infantile, 32. Identifiers: Orphanet 442835, MedGen C4225350, MONDO:0014607, OMIM 616366.

Allele frequency attached by ClinVar (database versions not stated): ExAC 0.00002; gnomAD 0.00005; 1000 Genomes Project 30x 0.00016; 1000 Genomes Project 0.00020.
gnomAD v4.1: 32 of 1,614,194 alleles (0.002%); highest among the groups gnomAD compares: Non-Finnish European, 0.00042%; 1 homozygote.

Submission:

Labcorp Genetics (formerly Invitae), Labcorp
Classification: Uncertain significance for Developmental and epileptic encephalopathy, 32. Last evaluated: 2023-08-20. Review status: criteria provided, single submitter. Criteria: Invitae Variant Classification Sherloc (09022015). Collection method: clinical testing. Allele origin: germline.
Comment: In summary, the available evidence is currently insufficient to determine the role of this variant in disease. Therefore, it has been classified as a Variant of Uncertain Significance. Advanced modeling of protein sequence and biophysical properties (such as structural, functional, and spatial information, amino acid conservation, physicochemical variation, residue mobility, and thermodynamic stability) performed at Invitae indicates that this missense variant is expected to disrupt KCNA2 protein function. This variant has not been reported in the literature in individuals affected with KCNA2-related conditions. This variant is present in population databases (rs201189661, gnomAD 0.04%). This sequence change replaces glycine, which is neutral and non-polar, with alanine, which is neutral and non-polar, at codon 119 of the KCNA2 protein (p.Gly119Ala).

NM_004974.4(KCNA2):c.356G>C (p.Gly119Ala)

Gene: KCNA2 (potassium voltage-gated channel subfamily A member 2; minus strand). Cytogenetic location: 1p13.3.
Variant type: single nucleotide variant.
Coding change: c.356G>C on transcript NM_004974.4 (MANE Select); coding-DNA position 356, G replaced by C.
Protein change: p.Gly119Ala; replaces glycine 119 with alanine.
Molecular consequence: missense variant.
Genome position (GRCh38, 1-based): chr1:110,604,427, C>G on the plus strand (G>C on the coding strand, the complement: KCNA2 is on the minus strand). VCF-style: chr1-110604427-C-G. GRCh37 (hg19) VCF-style: chr1-111147049-C-G.
Other names: c.356G>C, p.Gly119Ala (NM_001204269.2); short protein forms G119A.
Identifiers: ClinVar variation 2733150 (VCV002733150.3), dbSNP rs201189661, ClinGen allele CA1000729.
Genomic context (GRCh38, chr1:110,604,427, plus strand): 5'-GGACGCTCTTCCTCCTTGATGTAGCCTTCATCTTCCCGAAACATCTCCATCGCTTCTTCT[C>G]CCAGCTCATAAAACCGAATTTCTTCAGAGAATATATCTAAGGGCACATTCACAGGTCGCC-3'
Protein context (NP_004965.1, residues 109-129): FSEEIRFYEL[Gly119Ala]EEAMEMFRED